The following is an entry in ClinVar:

NM_003060.4(SLC22A5):c.363G>T (p.Gln121His)

Gene: SLC22A5 (solute carrier family 22 member 5; plus strand). Cytogenetic location: 5q31.1.
Variant type: single nucleotide variant.
Coding change: c.363G>T on transcript NM_003060.4 (MANE Select); coding-DNA position 363, G replaced by T.
Protein change: p.Gln121His; replaces glutamine 121 with histidine.
Molecular consequence: missense variant.
Genome position (GRCh38, 1-based): chr5:132,370,335, G>T. VCF-style: chr5-132370335-G-T. GRCh37 (hg19) VCF-style: chr5-131706027-G-T.
Other names: p.Gln121His; c.363G>T, p.Gln121His (NM_001308122.2); short protein forms Q121H.
Identifiers: ClinVar variation 649879 (VCV000649879.16), dbSNP rs758991830, ClinGen allele CA3403844.

ClinVar aggregate classification (germline): Uncertain significance. Review status: criteria provided, multiple submitters, no conflicts (2 of 4 stars). 6 submissions from 6 submitters: Uncertain significance (5). 1 of the submissions does not count toward it. Last evaluated 2025-12-17.

Conditions:
Renal carnitine transport defect (CDSP). Also called: Carnitine Deficiency, Systemic; CARNITINE DEFICIENCY, SYSTEMIC, DUE TO DEFECT IN RENAL REABSORPTION OF CARNITINE; CARNITINE TRANSPORTER, PLASMA-MEMBRANE, DEFICIENCY OF; CARNITINE UPTAKE DEFECT; Primary carnitine deficiency; Carnitine transporter deficiency. Identifiers: Orphanet 158, MedGen C0342788, MONDO:0008919, OMIM 212140.

Allele frequency attached by ClinVar (database versions not stated): gnomAD 0.00001; TOPMed 0.00002.
gnomAD v4.1: 53 of 1,612,136 alleles (0.0033%); highest among the groups gnomAD compares: Non-Finnish European, 0.0042%; no homozygotes.

Submissions (6):

Mayo Clinic Laboratories, Mayo Clinic
Classification: Uncertain significance. Last evaluated: 2025-12-17. Review status: criteria provided, single submitter. Criteria: ACMG Guidelines, 2015. Collection method: clinical testing. Allele origin: germline. Observed: 1 variant allele.
Comment: BP5

Labcorp Genetics (formerly Invitae), Labcorp
Classification: Uncertain significance for Renal carnitine transport defect. Last evaluated: 2022-10-18. Review status: criteria provided, single submitter. Criteria: Invitae Variant Classification Sherloc (09022015). Collection method: clinical testing. Allele origin: germline.
Comment: This sequence change replaces glutamine, which is neutral and polar, with histidine, which is basic and polar, at codon 121 of the SLC22A5 protein (p.Gln121His). This variant is present in population databases (rs758991830, gnomAD 0.003%). This variant has not been reported in the literature in individuals affected with SLC22A5-related conditions. ClinVar contains an entry for this variant (Variation ID: 649879). Advanced modeling of protein sequence and biophysical properties (such as structural, functional, and spatial information, amino acid conservation, physicochemical variation, residue mobility, and thermodynamic stability) performed at Invitae indicates that this missense variant is not expected to disrupt SLC22A5 protein function. In summary, the available evidence is currently insufficient to determine the role of this variant in disease. Therefore, it has been classified as a Variant of Uncertain Significance.

Giacomini Lab, University of California, San Francisco
Classification: Uncertain significance for Renal carnitine transport defect. Last evaluated: 2022-10-03. Review status: criteria provided, single submitter. Criteria: ACMG Guidelines, 2015. Collection method: research, in vitro. Allele origin: germline, not applicable.

Genome-Nilou Lab
Classification: Uncertain significance for Renal carnitine transport defect. Last evaluated: 2021-07-15. Review status: criteria provided, single submitter. Criteria: ACMG Guidelines, 2015. Collection method: clinical testing. Allele origin: germline. Affected: no.

Illumina Laboratory Services, Illumina
Classification: Uncertain significance for Renal carnitine transport defect. Last evaluated: 2018-01-13. Review status: criteria provided, single submitter. Criteria: ICSL Variant Classification Criteria 13 December 2019. Collection method: clinical testing. Allele origin: germline.

Natera, Inc.
Classification: Uncertain significance for Primary systemic carnitine deficiency. Last evaluated: 2020-10-15. Review status: no assertion criteria provided. Collection method: clinical testing. Allele origin: germline. Not counted in ClinVar's aggregate classification.